The following is an entry in ClinVar:

NM_001399.5(EDA):c.924+8C>G

Gene: EDA (ectodysplasin A; plus strand). Cytogenetic location: Xq13.1.
Variant type: single nucleotide variant.
Coding change: c.924+8C>G on transcript NM_001399.5 (MANE Select); 8 bases into the intron after coding-DNA position 924, C replaced by G.
Molecular consequence: intron variant.
Genome position (GRCh38, 1-based): chrX:70,033,536, C>G. VCF-style: chrX-70033536-C-G. GRCh37 (hg19) VCF-style: chrX-69253386-C-G.
Other names: c.918+14C>G (NM_001005609.2); c.882+50C>G (NM_001440762.1); c.915+8C>G (NM_001440761.1); c.909+14C>G (NM_001005612.3).
Identifiers: ClinVar variation 4710791 (VCV004710791.3).

ClinVar aggregate classification (germline): Conflicting classifications of pathogenicity. Review status: criteria provided, conflicting classifications (1 of 4 stars). 3 submissions from 3 submitters: Likely pathogenic (1); Uncertain significance (2). Last evaluated 2026-04-06.

Conditions:
Hypohidrotic X-linked ectodermal dysplasia (XHED). Also called: ECTODERMAL DYSPLASIA 1, HYPOHIDROTIC/HAIR/TOOTH TYPE, X-LINKED; Christ-Siemans-Touraine syndrome; ECTODERMAL DYSPLASIA 1; Ectodermal Dysplasia 1, Anhidrotic; ECTODERMAL DYSPLASIA, HYPOHIDROTIC, 1; CST SYNDROME. Identifiers: Orphanet 181, Orphanet 238468, MedGen C0162359, MONDO:0010585, OMIM 305100.
EDA-related disorder. Also called: EDA-related condition; EDA-related disorders.

Submissions (3):

GeneDx
Classification: Uncertain significance. Last evaluated: 2026-04-06. Review status: criteria provided, single submitter. Criteria: GeneDx Variant Classification Process June 2021. Collection method: clinical testing. Allele origin: germline.
Comment: Not observed at significant frequency in large population cohorts (gnomAD); In silico analysis suggests that this variant does not alter splicing; This variant is associated with the following publications: (PMID: 11295832)

Labcorp Genetics (formerly Invitae), Labcorp
Classification: Uncertain significance for Hypohidrotic X-linked ectodermal dysplasia. Last evaluated: 2026-01-08. Review status: criteria provided, single submitter. Criteria: Invitae Variant Classification Sherloc (09022015). Collection method: clinical testing. Allele origin: germline.
Comment: This sequence change falls in intron 7 of the EDA gene. It does not directly change the encoded amino acid sequence of the EDA protein. This variant is not present in population databases (gnomAD no frequency). This variant has been observed in individuals with ectodermal dysplasia (PMID: 11295832). This variant is also known as IVS9+8C>G. Algorithms developed to predict the effect of sequence changes on RNA splicing suggest that this variant may create or strengthen a splice site. In summary, the available evidence is currently insufficient to determine the role of this variant in disease. Therefore, it has been classified as a Variant of Uncertain Significance.

Blueprint Genetics
Classification: Likely pathogenic for EDA-related disorders. Last evaluated: 2022-09-14. Review status: criteria provided, single submitter. Criteria: ACMG Guidelines, 2015. Collection method: clinical testing. Allele origin: germline. Affected: yes. Observed: 1 variant allele.

Literature cited by the submitters: PubMed 11295832 (cited by Labcorp Genetics (formerly Invitae), Labcorp).